The following is an entry in ClinVar:

NM_006005.3(WFS1):c.2166G>A (p.Met722Ile)

Gene: WFS1 (wolframin ER transmembrane glycoprotein; plus strand). Cytogenetic location: 4p16.1.
Variant type: single nucleotide variant.
Coding change: c.2166G>A on transcript NM_006005.3 (MANE Select); coding-DNA position 2166, G replaced by A.
Protein change: p.Met722Ile; replaces methionine 722 with isoleucine.
Molecular consequence: missense variant.
Genome position (GRCh38, 1-based): chr4:6,301,961, G>A. VCF-style: chr4-6301961-G-A. GRCh37 (hg19) VCF-style: chr4-6303688-G-A.
Other names: c.2166G>A, p.Met722Ile (NM_001145853.1); short protein forms M722I.
Identifiers: ClinVar variation 1320496 (VCV001320496.4), dbSNP rs758534824, ClinGen allele CA2839632.

ClinVar aggregate classification (germline): Uncertain significance. Review status: criteria provided, multiple submitters, no conflicts (2 of 4 stars). 2 submissions from 2 submitters: Uncertain significance (2). Last evaluated 2024-12-02.

Conditions:
Autosomal dominant nonsyndromic hearing loss 6 (LFSNHL). Also called: Autosomal dominant nonsyndromic deafness 6; DEAFNESS, AUTOSOMAL DOMINANT 6; DEAFNESS, AUTOSOMAL DOMINANT 14; DEAFNESS, AUTOSOMAL DOMINANT 38. Identifiers: Orphanet 90635, MedGen C1833021, MONDO:0010963, OMIM 600965.
Type 2 diabetes mellitus. Also called: Type II diabetes mellitus. Identifiers: MedGen C0011860, MeSH D003924, MONDO:0005148, OMIM 125853, HP:0005978.
Wolfram-like syndrome. Also called: HEARING LOSS, PROGRESSIVE, WITH OPTIC ATROPHY AND/OR IMPAIRED GLUCOSE REGULATION. Identifiers: Orphanet 411590, MedGen C3280358, MONDO:0013673, OMIM 614296.
Cataract 41 (CTRCT41). Also called: CATARACT 41, CONGENITAL NUCLEAR TYPE. Identifiers: Orphanet 91492, Orphanet 98991, Orphanet 98992, Orphanet 98995, MedGen C3805412, MONDO:0007287, OMIM 116400.
Wolfram syndrome 1 (WFS1). Identifiers: Orphanet 3463, MedGen C4551693, MONDO:0009101, OMIM 222300.

Allele frequency attached by ClinVar (database versions not stated): TOPMed below 0.00001; ExAC 0.00001.
gnomAD v4.1: 4 of 1,612,824 alleles (0.00025%); highest among the groups gnomAD compares: East Asian, 0.0045%; no homozygotes.

Submissions (2):

GeneDx
Classification: Uncertain significance. Last evaluated: 2024-12-02. Review status: criteria provided, single submitter. Criteria: GeneDx Variant Classification Process June 2021. Collection method: clinical testing. Allele origin: germline. Affected: yes.
Comment: Has not been previously published as pathogenic or benign to our knowledge; In silico analysis indicates that this missense variant does not alter protein structure/function; Not observed at significant frequency in large population cohorts (gnomAD)

Fulgent Genetics
Classification: Uncertain significance for Cataract 41; Type 2 diabetes mellitus; Wolfram syndrome 1; Autosomal dominant nonsyndromic hearing loss 6; Wolfram-like syndrome. Last evaluated: 2024-01-01. Review status: criteria provided, single submitter. Criteria: ACMG Guidelines, 2015. Collection method: clinical testing. Allele origin: germline.